The following is an entry in ClinVar:

ClinVar aggregate classification (germline): Likely benign (0 of 4 stars; one submission).

Conditions:
RPL5-related disorder. Also called: RPL5-related condition.

Submission:

PreventionGenetics, part of Exact Sciences
Classification: Likely benign for RPL5-related condition. Last evaluated: 2024-07-11. Review status: no assertion criteria provided. Collection method: clinical testing. Allele origin: germline.
Comment: This variant is classified as likely benign based on ACMG/AMP sequence variant interpretation guidelines (Richards et al. 2015 PMID: 25741868, with internal and published modifications).

NM_000969.5(RPL5):c.732T>C (p.His244=)

Genes: DIPK1A (divergent protein kinase domain 1A; minus strand), RPL5 (ribosomal protein L5; plus strand). Cytogenetic location: 1p22.1.
Variant type: single nucleotide variant.
Coding change: c.732T>C on transcript NM_000969.5 (MANE Select); coding-DNA position 732, T replaced by C.
Protein change: p.His244=; no amino-acid change (histidine 244 retained).
Molecular consequence: synonymous variant. On other transcripts: non-coding transcript variant (1), intron variant (1).
Genome position (GRCh38, 1-based): chr1:92,840,577, T>C. VCF-style: chr1-92840577-T-C. GRCh37 (hg19) VCF-style: chr1-93306134-T-C.
Other names: c.474+6606A>G (NM_001252273.2).
Identifiers: ClinVar variation 3358590 (VCV003358590.1).